The following is an entry in ClinVar:

NM_001999.4(FBN2):c.7396A>C (p.Ile2466Leu)

Gene: FBN2 (fibrillin 2; minus strand). Cytogenetic location: 5q23.3.
Variant type: single nucleotide variant.
Coding change: c.7396A>C on transcript NM_001999.4 (MANE Select); coding-DNA position 7396, A replaced by C.
Protein change: p.Ile2466Leu; replaces isoleucine 2466 with leucine.
Molecular consequence: missense variant.
Genome position (GRCh38, 1-based): chr5:128,277,955, T>G on the plus strand (A>C on the coding strand, the complement: FBN2 is on the minus strand). VCF-style: chr5-128277955-T-G. GRCh37 (hg19) VCF-style: chr5-127613647-T-G.
Other names: short protein forms I2466L.
Identifiers: ClinVar variation 2086875 (VCV002086875.4), dbSNP rs373370945, ClinGen allele CA360755177.
Genomic context (GRCh38, chr5:128,277,955, plus strand): 5'-CACTGATGTCTGTGGTGTAGCCAACCTTGCAGAAGCATCGGAATGAGCCCATGGTATTGA[T>G]GCACTGACCATTGGTGCAGAGGTTTGGCATTACCTTACATTCATCAATATCTGTGGACCA-3'
Protein context (NP_001990.2, residues 2456-2476): MPNLCTNGQC[Ile2466Leu]NTMGSFRCFC

ClinVar aggregate classification (germline): Uncertain significance (1 of 4 stars; one submission).

Conditions:
Congenital contractural arachnodactyly (CCA). Also called: BEALS SYNDROME; Beals-Hecht syndrome; Arthrogryposis, distal, type 9. Identifiers: Orphanet 115, MedGen C0220668, MONDO:0007363, OMIM 121050.

Submission:

Labcorp Genetics (formerly Invitae), Labcorp
Classification: Uncertain significance for Congenital contractural arachnodactyly. Last evaluated: 2022-01-17. Review status: criteria provided, single submitter. Criteria: Invitae Variant Classification Sherloc (09022015). Collection method: clinical testing. Allele origin: germline.
Comment: This sequence change replaces isoleucine, which is neutral and non-polar, with leucine, which is neutral and non-polar, at codon 2466 of the FBN2 protein (p.Ile2466Leu). In summary, the available evidence is currently insufficient to determine the role of this variant in disease. Therefore, it has been classified as a Variant of Uncertain Significance. Advanced modeling of protein sequence and biophysical properties (such as structural, functional, and spatial information, amino acid conservation, physicochemical variation, residue mobility, and thermodynamic stability) performed at Invitae indicates that this missense variant is not expected to disrupt FBN2 protein function. This variant has not been reported in the literature in individuals affected with FBN2-related conditions. This variant is not present in population databases (gnomAD no frequency).